The following is an entry in ClinVar:

ClinVar aggregate classification (germline): Uncertain significance (1 of 4 stars; one submission).

Conditions:
Kabuki syndrome. Also called: Kabuki make-up syndrome; NIIKAWA-KUROKI SYNDROME. Identifiers: Orphanet 2322, MedGen C0796004, MONDO:0016512.

Allele frequency attached by ClinVar (database versions not stated): TOPMed 0.00001.

Submission:

Labcorp Genetics (formerly Invitae), Labcorp
Classification: Uncertain significance for Kabuki syndrome. Last evaluated: 2022-08-19. Review status: criteria provided, single submitter. Criteria: Invitae Variant Classification Sherloc (09022015). Collection method: clinical testing. Allele origin: germline.
Comment: In summary, the available evidence is currently insufficient to determine the role of this variant in disease. Therefore, it has been classified as a Variant of Uncertain Significance. Advanced modeling of protein sequence and biophysical properties (such as structural, functional, and spatial information, amino acid conservation, physicochemical variation, residue mobility, and thermodynamic stability) performed at Invitae indicates that this missense variant is not expected to disrupt KMT2D protein function. ClinVar contains an entry for this variant (Variation ID: 1358153). This variant has not been reported in the literature in individuals affected with KMT2D-related conditions. This variant is not present in population databases (gnomAD no frequency). This sequence change replaces glycine, which is neutral and non-polar, with valine, which is neutral and non-polar, at codon 4285 of the KMT2D protein (p.Gly4285Val).

NM_003482.4(KMT2D):c.12854G>T (p.Gly4285Val)

Gene: KMT2D (lysine methyltransferase 2D; minus strand). Cytogenetic location: 12q13.12.
Variant type: single nucleotide variant.
Coding change: c.12854G>T on transcript NM_003482.4 (MANE Select); coding-DNA position 12854, G replaced by T.
Protein change: p.Gly4285Val; replaces glycine 4285 with valine.
Molecular consequence: missense variant.
Genome position (GRCh38, 1-based): chr12:49,031,851, C>A on the plus strand (G>T on the coding strand, the complement: KMT2D is on the minus strand). VCF-style: chr12-49031851-C-A. GRCh37 (hg19) VCF-style: chr12-49425634-C-A.
Other names: short protein forms G4285V.
Identifiers: ClinVar variation 1358153 (VCV001358153.8), dbSNP rs893293173, ClinGen allele CA236639081.